The following is an entry in ClinVar:

NM_032409.3(PINK1):c.1123+4G>C

Genes: PINK1 (PTEN induced kinase 1; plus strand), PINK1-AS (PINK1 antisense RNA; minus strand). Cytogenetic location: 1p36.12.
Variant type: single nucleotide variant.
Coding change: c.1123+4G>C on transcript NM_032409.3 (MANE Select); 4 bases into the intron after coding-DNA position 1123, G replaced by C.
Molecular consequence: intron variant.
Genome position (GRCh38, 1-based): chr1:20,645,727, G>C. VCF-style: chr1-20645727-G-C. GRCh37 (hg19) VCF-style: chr1-20972220-G-C.
Identifiers: ClinVar variation 1382632 (VCV001382632.5), dbSNP rs760845466, ClinGen allele CA660695.

ClinVar aggregate classification (germline): Uncertain significance. Review status: criteria provided, multiple submitters, no conflicts (2 of 4 stars). 2 submissions from 2 submitters: Uncertain significance (2). Last evaluated 2023-05-05.

Conditions:
Autosomal recessive early-onset Parkinson disease 6 (PARK6). Also called: PINK1-Related Parkinson Disease; PINK1 Type of Young-Onset Parkinson Disease; PARKINSON DISEASE 6, EARLY-ONSET; PARKINSON DISEASE 6, MODIFIER OF. Identifiers: Orphanet 2828, MedGen C1853833, MONDO:0011613, OMIM 605909.

Allele frequency attached by ClinVar (database versions not stated): gnomAD 0.00001; gnomAD exomes 0.00002; ExAC 0.00003.
gnomAD v4.1: 30 of 1,614,000 alleles (0.0019%); highest among the groups gnomAD compares: Non-Finnish European, 0.0025%; no homozygotes.

Submissions (2):

Labcorp Genetics (formerly Invitae), Labcorp
Classification: Uncertain significance for Autosomal recessive early-onset Parkinson disease 6. Last evaluated: 2023-05-05. Review status: criteria provided, single submitter. Criteria: Invitae Variant Classification Sherloc (09022015). Collection method: clinical testing. Allele origin: germline.
Comment: In summary, the available evidence is currently insufficient to determine the role of this variant in disease. Therefore, it has been classified as a Variant of Uncertain Significance. Variants that disrupt the consensus splice site are a relatively common cause of aberrant splicing (PMID: 17576681, 9536098). Algorithms developed to predict the effect of sequence changes on RNA splicing suggest that this variant is not likely to affect RNA splicing. ClinVar contains an entry for this variant (Variation ID: 1382632). This variant has not been reported in the literature in individuals affected with PINK1-related conditions. This variant is present in population databases (rs760845466, gnomAD 0.007%). This sequence change falls in intron 5 of the PINK1 gene. It does not directly change the encoded amino acid sequence of the PINK1 protein. It affects a nucleotide within the consensus splice site.

Fulgent Genetics
Classification: Uncertain significance for Autosomal recessive early-onset Parkinson disease 6. Last evaluated: 2021-08-30. Review status: criteria provided, single submitter. Criteria: ACMG Guidelines, 2015. Collection method: clinical testing. Allele origin: unknown.

Literature cited by the submitters: PubMed 17576681 (cited by Labcorp Genetics (formerly Invitae), Labcorp); PubMed 9536098 (cited by Labcorp Genetics (formerly Invitae), Labcorp).